The following is an entry in ClinVar:

NM_001321120.2(TBX4):c.1427_1430dup (p.Leu478fs)

Gene: TBX4 (T-box transcription factor 4; plus strand). Cytogenetic location: 17q23.2.
Variant type: Duplication.
Coding change: c.1427_1430dup on transcript NM_001321120.2 (MANE Select); coding-DNA positions 1427 to 1430, 4 bases duplicated (ATCA; older notation c.1427_1430dupATCA).
Protein change: p.Leu478fs; shifts the reading frame from leucine 478.
Molecular consequence: frameshift variant.
Genome position (GRCh38, 1-based): chr17:61,483,302-61,483,305, ATCA duplicated; duplicating any 4 consecutive bases within chr17:61,483,300-61,483,305 gives the same sequence; the c. name uses the placement nearest the transcript's 3' end. VCF-style (leftmost placement, unchanged base first): chr17-61483299-A-ACAAT. GRCh37 (hg19) VCF-style: chr17-59560660-A-ACAAT.
Other names: c.1424_1427dup, p.Leu477fs (NM_018488.3); short protein forms L478fs, L477fs.
Identifiers: ClinVar variation 3652480 (VCV003652480.2).

ClinVar aggregate classification (germline): Pathogenic (1 of 4 stars; one submission).

Submission:

Labcorp Genetics (formerly Invitae), Labcorp
Classification: Pathogenic. Last evaluated: 2024-05-07. Review status: criteria provided, single submitter. Criteria: Invitae Variant Classification Sherloc (09022015). Collection method: clinical testing. Allele origin: germline.
Comment: This sequence change creates a premature translational stop signal (p.Leu477Serfs*27) in the TBX4 gene. While this is not anticipated to result in nonsense mediated decay, it is expected to disrupt the last 69 amino acid(s) of the TBX4 protein. This variant is not present in population databases (gnomAD no frequency). This variant has not been reported in the literature in individuals affected with TBX4-related conditions. This variant disrupts a region of the TBX4 protein in which other variant(s) (p.Gln531Arg) have been determined to be pathogenic (PMID: 15106123). This suggests that this is a clinically significant region of the protein, and that variants that disrupt it are likely to be disease-causing. For these reasons, this variant has been classified as Pathogenic.

Literature cited by the submitters: PubMed 15106123.